The following is an entry in ClinVar:

NM_001127222.2(CACNA1A):c.230C>T (p.Ser77Phe)

Gene: CACNA1A (calcium voltage-gated channel subunit alpha1 A; minus strand). Cytogenetic location: 19p13.13.
Variant type: single nucleotide variant.
Coding change: c.230C>T on transcript NM_001127222.2 (MANE Select); coding-DNA position 230, C replaced by T.
Protein change: p.Ser77Phe; replaces serine 77 with phenylalanine.
Molecular consequence: missense variant.
Genome position (GRCh38, 1-based): chr19:13,505,995, G>A on the plus strand (C>T on the coding strand, the complement: CACNA1A is on the minus strand). VCF-style: chr19-13505995-G-A. GRCh37 (hg19) VCF-style: chr19-13616809-G-A.
Other names: c.230C>T, p.Ser77Phe (NM_000068.4, NM_001127221.2, NM_001174080.2 and 1 more transcripts); short protein forms S77F.
Identifiers: ClinVar variation 4789736 (VCV004789736.1).

ClinVar aggregate classification (germline): Uncertain significance (1 of 4 stars; one submission).

Conditions:
Episodic ataxia type 2 (EA2). Also called: ACETAZOLAMIDE-RESPONSIVE HEREDITARY PAROXYSMAL CEREBELLAR ATAXIA; ATAXIA, EPISODIC, WITH NYSTAGMUS; ATAXIA, FAMILIAL PAROXYSMAL; CEREBELLAR ATAXIA, PAROXYSMAL, ACETAZOLAMIDE-RESPONSIVE; CEREBELLOPATHY, HEREDITARY PAROXYSMAL; EPISODIC ATAXIA, NYSTAGMUS-ASSOCIATED. Identifiers: Orphanet 97, MedGen C1720416, MONDO:0007163, OMIM 108500.
Developmental and epileptic encephalopathy, 42 (DEE42A). Also called: Epileptic encephalopathy, early infantile, 42; DEVELOPMENTAL AND EPILEPTIC ENCEPHALOPATHY 42A; EPILEPTIC ENCEPHALOPATHY, EARLY INFANTILE, 42A. Identifiers: MedGen C4310716, MONDO:0014917, OMIM 617106.

Submission:

Labcorp Genetics (formerly Invitae), Labcorp
Classification: Uncertain significance for Developmental and epileptic encephalopathy, 42; Episodic ataxia type 2. Last evaluated: 2025-06-08. Review status: criteria provided, single submitter. Criteria: Invitae Variant Classification Sherloc (09022015). Collection method: clinical testing. Allele origin: germline.
Comment: This sequence change replaces serine, which is neutral and polar, with phenylalanine, which is neutral and non-polar, at codon 77 of the CACNA1A protein (p.Ser77Phe). This variant is not present in population databases (gnomAD no frequency). This variant has not been reported in the literature in individuals affected with CACNA1A-related conditions. Invitae Evidence Modeling of protein sequence and biophysical properties (such as structural, functional, and spatial information, amino acid conservation, physicochemical variation, residue mobility, and thermodynamic stability) indicates that this missense variant is expected to disrupt CACNA1A protein function with a positive predictive value of 95%. In summary, the available evidence is currently insufficient to determine the role of this variant in disease. Therefore, it has been classified as a Variant of Uncertain Significance.